The following is an entry in ClinVar:

ClinVar aggregate classification (germline): Pathogenic. Review status: criteria provided, single submitter (1 of 4 stars). 3 submissions from 3 submitters: Pathogenic (1). 2 of the submissions do not count toward it. Last evaluated 2022-05-27.

Conditions:
Diamond-Blackfan anemia 12 (DBA12). Also called: RPL15-Related Diamond-Blackfan Anemia. Identifiers: Orphanet 124, MedGen C3809888, MONDO:0014245, OMIM 615550.
RPL15-related disorder. Also called: RPL15-related condition.

Submissions (3):

Clinical Genetics Laboratory, Skane University Hospital Lund
Classification: Pathogenic. Last evaluated: 2022-05-27. Review status: criteria provided, single submitter. Criteria: ACMG Guidelines, 2015. Collection method: clinical testing. Allele origin: germline. Affected: yes.

PreventionGenetics, part of Exact Sciences
Classification: Pathogenic for RPL15-related condition. Last evaluated: 2023-10-24. Review status: no assertion criteria provided. Collection method: clinical testing. Allele origin: germline. Not counted in ClinVar's aggregate classification.
Comment: The RPL15 c.242dupA variant is predicted to result in premature protein termination (p.Tyr81*). This variant was reported in patients with Diamond-Blackfan anemia (DBA) from three unrelated families and functional data suggest this variant alters pre-rRNA levels and impairs proper ribosomal subunit biogenesis (Wlodarski et al. 2018. PubMed ID: 29599205). This variant has not been reported in a large population database, indicating this variant is rare. Nonsense variants in RPL15 are expected to be pathogenic. This variant is interpreted as pathogenic.

OMIM
Classification: Pathogenic for DIAMOND-BLACKFAN ANEMIA 12. Last evaluated: 2023-05-18. Review status: no assertion criteria provided. Collection method: literature only. Allele origin: germline. Not counted in ClinVar's aggregate classification.

Literature cited by the submitters: PubMed 29599205 (cited by OMIM).

NM_002948.5(RPL15):c.242dup (p.Tyr81Ter)

Genes: NKIRAS1 (NFKB inhibitor interacting Ras like 1; minus strand), RPL15 (ribosomal protein L15; plus strand). Cytogenetic location: 3p24.2.
Variant type: Duplication.
Coding change: c.242dup on transcript NM_002948.5 (MANE Select); coding-DNA position 242, one base duplicated (A; older notation c.242dupA).
Protein change: p.Tyr81Ter; replaces tyrosine 81 with a stop codon.
Molecular consequence: nonsense. On other transcripts: intron variant (1).
Genome position (GRCh38, 1-based): chr3:23,918,509, A duplicated. VCF-style (leftmost placement, unchanged base first): chr3-23918508-T-TA. GRCh37 (hg19) VCF-style: chr3-23959999-T-TA.
Other names: c.242dup, p.Tyr81Ter (NM_001253379.2, NM_001253380.2, NM_001253382.2 and 2 more transcripts); c.-139-7059dup (NM_001377380.1); short protein forms Y81*.
Identifiers: ClinVar variation 2502335 (VCV002502335.4), dbSNP rs2471221205, ClinGen allele CA2580614153.
Genomic context (GRCh38, chr3:23,918,508, plus strand): 5'-ATATATAGGATTCGTGTTCGCCGTGGTGGCCGAAAACGCCCAGTTCCTAAGGGTGCAACT[T>TA]ACGGCAAGCCTGTCCATCATGGTGTTAACCAGCTAAAGTTTGCTCGAAGCCTTCAGTCCG-3'